The following is an entry in ClinVar:

ClinVar aggregate classification (germline): Uncertain significance. Review status: criteria provided, multiple submitters, no conflicts (2 of 4 stars). 2 submissions from 2 submitters: Uncertain significance (2). Last evaluated 2025-03-08.

Conditions:
Hereditary nonpolyposis colorectal neoplasms. Identifiers: MedGen C0009405, MeSH D003123.
Hereditary cancer-predisposing syndrome. Also called: Hereditary Cancer Syndrome; Tumor predisposition; Hereditary neoplastic syndrome; Neoplastic Syndromes, Hereditary. Identifiers: Orphanet 140162, MedGen C0027672, MeSH D009386, MONDO:0015356.

gnomAD v4.1: 1 of 1,614,242 alleles (0.000062%); highest among the groups gnomAD compares: Non-Finnish European, 0.000085%; no homozygotes.

Submissions (2):

Ambry Genetics
Classification: Uncertain significance for Hereditary cancer-predisposing syndrome. Last evaluated: 2025-03-08. Review status: criteria provided, single submitter. Criteria: Ambry Variant Classification Scheme 2023. Collection method: clinical testing. Allele origin: germline.
Comment: The p.F119L variant (also known as c.355T>C), located in coding exon 2 of the MSH6 gene, results from a T to C substitution at nucleotide position 355. The phenylalanine at codon 119 is replaced by leucine, an amino acid with highly similar properties. This amino acid position is conserved. In addition, this alteration is predicted to be tolerated by in silico analysis. Based on the available evidence, the clinical significance of this variant remains unclear.

Labcorp Genetics (formerly Invitae), Labcorp
Classification: Uncertain significance for Hereditary nonpolyposis colorectal neoplasms. Last evaluated: 2020-08-25. Review status: criteria provided, single submitter. Criteria: Invitae Variant Classification Sherloc (09022015). Collection method: clinical testing. Allele origin: germline.
Comment: This variant has not been reported in the literature in individuals with MSH6-related conditions. Advanced modeling of protein sequence and biophysical properties (such as structural, functional, and spatial information, amino acid conservation, physicochemical variation, residue mobility, and thermodynamic stability) performed at Invitae indicates that this missense variant is not expected to disrupt MSH6 protein function. In summary, the available evidence is currently insufficient to determine the role of this variant in disease. Therefore, it has been classified as a Variant of Uncertain Significance. This sequence change replaces phenylalanine with leucine at codon 119 of the MSH6 protein (p.Phe119Leu). The phenylalanine residue is weakly conserved and there is a small physicochemical difference between phenylalanine and leucine. This variant is not present in population databases (ExAC no frequency).

NM_000179.3(MSH6):c.355T>C (p.Phe119Leu)

Gene: MSH6 (mutS homolog 6; plus strand). Cytogenetic location: 2p16.3.
Variant type: single nucleotide variant.
Coding change: c.355T>C on transcript NM_000179.3 (MANE Select); coding-DNA position 355, T replaced by C.
Protein change: p.Phe119Leu; replaces phenylalanine 119 with leucine.
Molecular consequence: missense variant. On other transcripts: 5 prime UTR variant (2), intron variant (1).
Genome position (GRCh38, 1-based): chr2:47,791,021, T>C. VCF-style: chr2-47791021-T-C. GRCh37 (hg19) VCF-style: chr2-48018160-T-C.
Other names: c.355T>C (NM_000179.2); c.-382T>C (NM_001281493.2); c.-548T>C (NM_001281494.2); c.237+7551T>C (NM_001281492.2); short protein forms F119L.
Identifiers: ClinVar variation 1054053 (VCV001054053.10), dbSNP rs1558652032, ClinGen allele CA346736997.
Genomic context (GRCh38, chr2:47,791,021, plus strand): 5'-AAGATGGAGGGTTACCCCTGGTGGCCTTGTCTGGTTTACAACCACCCCTTTGATGGAACA[T>C]TCATCCGCGAGAAAGGGAAATCAGTCCGTGTTCATGTACAGTTTTTTGATGACAGCCCAA-3'
Protein context (NP_000170.1, residues 109-129): LVYNHPFDGT[Phe119Leu]IREKGKSVRV